The following is an entry in ClinVar:

ClinVar aggregate classification (germline): Likely pathogenic. Review status: criteria provided, multiple submitters, no conflicts (2 of 4 stars). 2 submissions from 2 submitters: Likely pathogenic (2). Last evaluated 2023-11-22.

Conditions:
Severe myoclonic epilepsy in infancy (DRVT). Also called: Epileptic encephalopathy, early infantile, 6 (Dravet syndrome); SEVERE MYOCLONIC EPILEPSY OF INFANCY; DEVELOPMENTAL AND EPILEPTIC ENCEPHALOPATHY 6A; Severe Myoclonic Epilepsy in Infancy (SMEI); Dravet syndrome. Identifiers: Orphanet 33069, MedGen C0751122, MONDO:0100135, OMIM 607208.

Submissions (2):

3billion
Classification: Likely pathogenic for Severe myoclonic epilepsy in infancy. Last evaluated: 2023-11-22. Review status: criteria provided, single submitter. Criteria: ACMG Guidelines, 2015. Collection method: clinical testing. Allele origin: germline. Affected: yes.
Comment: The variant is not observed in the gnomAD v2.1.1 dataset. Predicted Consequence/Location: Missense variant In silico tool predictions suggest damaging effect of the variant on gene or gene product [REVEL: 0.95 (>=0.6, sensitivity 0.68 and specificity 0.92); 3Cnet: 0.99 (>=0.6, sensitivity 0.72 and precision 0.9)]. Same nucleotide change resulting in same amino acid change has been previously reported to be associated with SCN1A related disorder (ClinVar ID: VCV001297050 /PMID: 31864146). The variant has been previously reported as de novo in a similarly affected individual (PMID: 31864146). A different missense change at the same codon (p.Asn416Lys) has been reported to be associated with SCN1A related disorder (ClinVar ID: VCV000651325 /PMID: 31440721). Therefore, this variant is classified as Likely pathogenic according to the recommendation of ACMG/AMP guideline.

Institute of Human Genetics, University of Leipzig Medical Center
Classification: Likely pathogenic for Severe myoclonic epilepsy in infancy. Last evaluated: 2022-02-11. Review status: criteria provided, single submitter. Criteria: ACMG Guidelines, 2015. Collection method: clinical testing. Allele origin: de novo. Affected: yes.
Comment: This variant was identified as de novo (maternity and paternity confirmed)._x000D_ Criteria applied: PS2, PM2_SUP, PM5_SUP, PP2, PP3

Literature cited by the submitters: PubMed 31440721 (cited by 3billion); PubMed 31864146 (cited by 3billion).

NM_001165963.4(SCN1A):c.1247A>G (p.Asn416Ser)

Gene: SCN1A (sodium voltage-gated channel alpha subunit 1; minus strand). Cytogenetic location: 2q24.3.
Variant type: single nucleotide variant.
Coding change: c.1247A>G on transcript NM_001165963.4 (MANE Select); coding-DNA position 1247, A replaced by G.
Protein change: p.Asn416Ser; replaces asparagine 416 with serine.
Molecular consequence: missense variant. On other transcripts: 5 prime UTR variant (1), non-coding transcript variant (1).
Genome position (GRCh38, 1-based): chr2:166,046,900, T>C on the plus strand (A>G on the coding strand, the complement: SCN1A is on the minus strand). VCF-style: chr2-166046900-T-C. GRCh37 (hg19) VCF-style: chr2-166903410-T-C.
Other names: c.1247A>G, p.Asn416Ser (NM_001165964.3, NM_001202435.3, NM_001353948.2 and 10 more transcripts); c.-1179A>G (NM_001353961.2); short protein forms N416S.
Identifiers: ClinVar variation 1297050 (VCV001297050.3), dbSNP rs2105862220, ClinGen allele CA349070890.